The following is an entry in ClinVar:

NM_006493.4(CLN5):c.566_*1548del (p.Gly189fs)

Gene: CLN5 (CLN5 lysosomal BMP synthase; plus strand). Cytogenetic location: 13q22.3.
Variant type: Deletion.
Coding change: c.566_*1548del on transcript NM_006493.4 (MANE Select); coding-DNA position 566 through 1548 bases downstream of the stop codon, 2,060 bases deleted.
Protein change: p.Gly189fs; shifts the reading frame from glycine 189.
Molecular consequence: frameshift variant. On other transcripts: 3 prime UTR variant (1).
Genome position (GRCh38, 1-based): chr13:77,000,458-77,002,517, 2,060 bases deleted. GRCh37 (hg19): chr13:77,574,593-77,576,652.
Other names: c.713_*1548del (LRG_692t1); c.*15_*2074del (NM_001366624.2); short protein forms G189fs.
Identifiers: ClinVar variation 577654 (VCV000577654.1), ClinGen allele CA891843755.

ClinVar aggregate classification (germline): Pathogenic (1 of 4 stars; one submission).

Conditions:
Neuronal ceroid lipofuscinosis. Also called: Neuronal Ceroid Lipofuscinoses. Identifiers: Orphanet 216, Orphanet 79263, MedGen C0027877, MONDO:0016295. Disease mechanism: loss of function.

Submission:

Labcorp Genetics (formerly Invitae), Labcorp
Classification: Pathogenic for Neuronal ceroid lipofuscinosis. Last evaluated: 2018-06-05. Review status: criteria provided, single submitter. Criteria: Invitae Variant Classification Sherloc (09022015). Collection method: clinical testing. Allele origin: germline.
Comment: This variant is a gross deletion of the genomic region encompassing part of exon 4 of the CLN5 gene. The 5' boundary is located at c.752 (p.Asp251). The 3' end of this event is unknown as it extends through the termination codon beyond the assayed region for this gene and may encompass additional genes. While this deletion is not anticipated to result in nonsense mediated decay, it is expected to create a truncated protein product or disrupt mRNA translation. A similar deletion encompassingÂ¬â€  a large portion of exon 4 has been reported in combination with other CLN5 alleles in individuals with neuronal ceroid lipofuscinosis (PMID: 20157158). A different truncation (p.Tyr392*) that lies downstream of this variant has been determined to be pathogenic (PMID: 9662406, Invitae). This suggests that deletion of this region of the CLN5 protein is causative of disease. For these reasons, this variant has been classified as Pathogenic.

Literature cited by the submitters: PubMed 9662406; PubMed 20157158.